The following is an entry in ClinVar:

NM_024675.4(PALB2):c.3290C>A (p.Pro1097His)

Gene: PALB2 (partner and localizer of BRCA2; minus strand). Cytogenetic location: 16p12.2.
Variant type: single nucleotide variant.
Coding change: c.3290C>A on transcript NM_024675.4 (MANE Select); coding-DNA position 3290, C replaced by A.
Protein change: p.Pro1097His; replaces proline 1097 with histidine.
Molecular consequence: missense variant.
Genome position (GRCh38, 1-based): chr16:23,607,924, G>T on the plus strand (C>A on the coding strand, the complement: PALB2 is on the minus strand). VCF-style: chr16-23607924-G-T. GRCh37 (hg19) VCF-style: chr16-23619245-G-T.
Other names: c.3230C>A, p.Pro1077His (NM_001407296.1); c.3218C>A, p.Pro1073His (NM_001407297.1); c.3128C>A, p.Pro1043His (NM_001407298.1); c.3011C>A, p.Pro1004His (NM_001407300.1); c.2405C>A, p.Pro802His (NM_001407304.1, NM_001407305.1, NM_001407306.1); c.2243C>A, p.Pro748His (NM_001407307.1); c.1502C>A, p.Pro501His (NM_001407312.1); c.824C>A, p.Pro275His (NM_001407314.1); short protein forms P1073H, P1043H, P802H, P1097H, P275H, P748H, P1004H, P1077H.
Identifiers: ClinVar variation 1729846 (VCV001729846.2), dbSNP rs587781308, ClinGen allele CA395139550.
Genomic context (GRCh38, chr16:23,607,924, plus strand): 5'-CTGCCAGCCTGCCCTGGAGGAAGACAGTACAGCATCACACCCACGCTGAGAGTCGTCTTA[G>T]GGTTAATCACAATGAGCTGAAACACAGGGCTTCGCAACGACTCACTCTCTTTGGCACAGG-3'
Protein context (NP_078951.2, residues 1087-1107): SPVFQLIVIN[Pro1097His]KTTLSVGVML

ClinVar aggregate classification (germline): Uncertain significance (1 of 4 stars; one submission).

Conditions:
Hereditary cancer-predisposing syndrome. Also called: Neoplastic Syndromes, Hereditary; Tumor predisposition; Hereditary Cancer Syndrome; Hereditary neoplastic syndrome. Identifiers: Orphanet 140162, MedGen C0027672, MeSH D009386, MONDO:0015356.

Submission:

Ambry Genetics
Classification: Uncertain significance for Hereditary cancer-predisposing syndrome. Last evaluated: 2022-08-13. Review status: criteria provided, single submitter. Criteria: Ambry Variant Classification Scheme 2023. Collection method: clinical testing. Allele origin: germline.
Comment: The p.P1097H variant (also known as c.3290C>A), located in coding exon 12 of the PALB2 gene, results from a C to A substitution at nucleotide position 3290. The proline at codon 1097 is replaced by histidine, an amino acid with similar properties. This amino acid position is conserved. In addition, this alteration is predicted to be deleterious by in silico analysis. Since supporting evidence is limited at this time, the clinical significance of this alteration remains unclear.